The following is an entry in ClinVar:

NM_002801.4(PSMB10):c.558+3G>A

Gene: PSMB10 (proteasome 20S subunit beta 10; minus strand). Cytogenetic location: 16q22.1.
Variant type: single nucleotide variant.
Coding change: c.558+3G>A on transcript NM_002801.4 (MANE Select); 3 bases into the intron after coding-DNA position 558, G replaced by A.
Molecular consequence: intron variant.
Genome position (GRCh38, 1-based): chr16:67,935,417, C>T on the plus strand (G>A on the coding strand, the complement: PSMB10 is on the minus strand). VCF-style: chr16-67935417-C-T. GRCh37 (hg19) VCF-style: chr16-67969320-C-T.
Identifiers: ClinVar variation 4847286 (VCV004847286.1).
Genomic context (GRCh38, chr16:67,935,417, plus strand): 5'-TCCCCCAGCTCCCGGGTGCACATCCCACCAGCGACCACAAAGTCGGGGACAGAGGCCGCT[C>T]ACCGTCATGTTCGGCTGGAACCGGTCTTCTAGCACCGCCAGGGCCGCGTCCTGACCAGAG-3'

ClinVar aggregate classification (germline): Uncertain significance (1 of 4 stars; one submission).

gnomAD v4.1: 252 of 1,613,920 alleles (0.016%); highest among the groups gnomAD compares: Middle Eastern, 0.68%; 1 homozygote.

Submission:

Women's Health and Genetics/Laboratory Corporation of America, LabCorp
Classification: Uncertain significance. Last evaluated: 2026-03-12. Review status: criteria provided, single submitter. Criteria: LabCorp Variant Classification Summary - May 2015. Collection method: clinical testing. Allele origin: germline.
Comment: Variant summary: PSMB10 c.558+3G>A alters a conserved nucleotide located close to a canonical splice site and therefore could affect mRNA splicing, leading to a significantly altered protein sequence. Consensus agreement among computation tools predict no significant impact on normal splicing. However, these predictions have yet to be confirmed by functional studies. The variant allele was found at a frequency of 0.00022 in 251056 control chromosomes. This frequency is not significantly higher than estimated for disease-causing variants in PSMB10, allowing no conclusion about variant significance. To our knowledge, no occurrence of c.558+3G>A in individuals affected with PSMB10-related conditions and no experimental evidence demonstrating its impact on protein function have been reported. No submitters have cited clinical-significance assessments for this variant to ClinVar. Based on the evidence outlined above, the variant was classified as uncertain significance.